The following is an entry in ClinVar:

NM_021072.4(HCN1):c.825_838del (p.Arg276fs)

Gene: HCN1 (hyperpolarization activated cyclic nucleotide gated potassium channel 1; minus strand). Cytogenetic location: 5p12.
Variant type: Deletion.
Coding change: c.825_838del on transcript NM_021072.4 (MANE Select); coding-DNA positions 825 to 838, 14 bases deleted (TAGATACATACATC).
Protein change: p.Arg276fs; shifts the reading frame from arginine 276.
Molecular consequence: frameshift variant.
Genome position (GRCh38, 1-based): chr5:45,645,196-45,645,209, GATGTATGTATCTA deleted on the plus strand (TAGATACATACATC on the coding strand, the reverse complement: HCN1 is on the minus strand). VCF-style (leftmost placement, unchanged base first): chr5-45645195-TGATGTATGTATCTA-T. GRCh37 (hg19) VCF-style: chr5-45645297-TGATGTATGTATCTA-T.
Other names: short protein forms R276fs.
Identifiers: ClinVar variation 4845445 (VCV004845445.1).
Genomic context (GRCh38, chr5:45,645,195, plus strand): 5'-AATTAACAATTTCATGATATAGATTTAAAAAAGAAAAAGATGCATCTTACCTCTTCCCAT[TGATGTATGTATCTA>T]ATTAACCTTGAAAGTCGTAATAAACGCAAGAGACTGAGAATTTTTGTAAACCTCACAATG-3'

ClinVar aggregate classification (germline): Uncertain significance (1 of 4 stars; one submission).

Submission:

Greenwood Genetic Center Diagnostic Laboratories, Greenwood Genetic Center
Classification: Uncertain significance. Last evaluated: 2025-11-07. Review status: criteria provided, single submitter. Criteria: ACMG Guidelines, 2015. Collection method: clinical testing. Allele origin: germline. Affected: yes.
Comment: PM2